The following is an entry in ClinVar:

ClinVar aggregate classification (germline): Uncertain significance. Review status: criteria provided, multiple submitters, no conflicts (2 of 4 stars). 3 submissions from 3 submitters: Uncertain significance (3). Last evaluated 2025-09-14.

Conditions:
Combined immunodeficiency due to LRBA deficiency. Also called: Common variable immunodeficiency 8, with autoimmunity. Identifiers: Orphanet 445018, MedGen C3553512, MONDO:0013863, OMIM 614700.

gnomAD v4.1: 13 of 1,613,734 alleles (0.00081%); highest among the groups gnomAD compares: East Asian, 0.0045%; no homozygotes.

Submissions (3):

Labcorp Genetics (formerly Invitae), Labcorp
Classification: Uncertain significance for Combined immunodeficiency due to LRBA deficiency. Last evaluated: 2025-09-14. Review status: criteria provided, single submitter. Criteria: Invitae Variant Classification Sherloc (09022015). Collection method: clinical testing. Allele origin: germline.
Comment: This sequence change replaces arginine, which is basic and polar, with cysteine, which is neutral and slightly polar, at codon 167 of the LRBA protein (p.Arg167Cys). This variant is present in population databases (no rsID available, gnomAD 0.003%). This variant has not been reported in the literature in individuals affected with LRBA-related conditions. ClinVar contains an entry for this variant (Variation ID: 935212). Invitae Evidence Modeling of protein sequence and biophysical properties (such as structural, functional, and spatial information, amino acid conservation, physicochemical variation, residue mobility, and thermodynamic stability) indicates that this missense variant is not expected to disrupt LRBA protein function with a negative predictive value of 80%. In summary, the available evidence is currently insufficient to determine the role of this variant in disease. Therefore, it has been classified as a Variant of Uncertain Significance.

Blueprint Genetics
Classification: Uncertain significance. Last evaluated: 2021-04-26. Review status: criteria provided, single submitter. Criteria: ACMG Guidelines, 2015. Collection method: clinical testing. Allele origin: germline.

Revvity Omics, Revvity
Classification: Uncertain significance for Combined immunodeficiency due to LRBA deficiency. Last evaluated: 2021-02-25. Review status: criteria provided, single submitter. Criteria: ACMG Guidelines, 2015. Collection method: clinical testing. Allele origin: germline.

NM_001364905.1(LRBA):c.499C>T (p.Arg167Cys)

Gene: LRBA (LPS responsive beige-like anchor protein; minus strand). Cytogenetic location: 4q31.3.
Variant type: single nucleotide variant.
Coding change: c.499C>T on transcript NM_001364905.1 (MANE Select); coding-DNA position 499, C replaced by T.
Protein change: p.Arg167Cys; replaces arginine 167 with cysteine.
Molecular consequence: missense variant.
Genome position (GRCh38, 1-based): chr4:150,928,566, G>A on the plus strand (C>T on the coding strand, the complement: LRBA is on the minus strand). VCF-style: chr4-150928566-G-A. GRCh37 (hg19) VCF-style: chr4-151849718-G-A.
Other names: c.499C>T, p.Arg167Cys (NM_001199282.3, NM_001367550.1, NM_006726.5); short protein forms R167C.
Identifiers: ClinVar variation 935212 (VCV000935212.11), dbSNP rs371936024, ClinGen allele CA358439058.